The following is an entry in ClinVar:

ClinVar aggregate classification (germline): Likely benign. Review status: criteria provided, multiple submitters, no conflicts (2 of 4 stars). 7 submissions from 7 submitters: Likely benign (7). Last evaluated 2026-01-19.

Conditions:
Cardiomyopathy (CMYO). Also called: Cardiomyopathies. Identifiers: Orphanet 167848, MedGen C0878544, MONDO:0004994, HP:0001638. Inheritance: Various modes of inheritance.
Cardiovascular phenotype. Identifiers: MedGen CN230736.
Arrhythmogenic right ventricular dysplasia 8 (ARVD8). Also called: Arrhythmogenic Right Ventricular Dysplasia/Cardiomyopathy 8; ARRHYTHMOGENIC RIGHT VENTRICULAR DYSPLASIA, FAMILIAL, 8; ARRHYTHMOGENIC RIGHT VENTRICULAR CARDIOMYOPATHY 8. Identifiers: MedGen C1843896, MONDO:0011831, OMIM 607450.
Arrhythmogenic cardiomyopathy with wooly hair and keratoderma. Also called: Carvajal syndrome; Dilated cardiomyopathy with woolly hair and keratoderma; Arrhythmogenic cardiomyopathy with woolly hair and keratoderma; PALMOPLANTAR KERATODERMA WITH LEFT VENTRICULAR CARDIOMYOPATHY AND WOOLLY HAIR. Identifiers: Orphanet 65282, MedGen C1854063, MONDO:0011581, OMIM 605676.

Allele frequency attached by ClinVar (database versions not stated): gnomAD 0.00005 and 0.00004; TOPMed 0.00005; ExAC 0.00008; gnomAD exomes 0.00011 and 0.00004; ESP Exome Variant Server 0.00015.
gnomAD v4.1: 180 of 1,613,884 alleles (0.011%); highest among the groups gnomAD compares: Non-Finnish European, 0.014%; no homozygotes.

Submissions (7):

Women's Health and Genetics/Laboratory Corporation of America, LabCorp
Classification: Likely benign. Last evaluated: 2026-01-19. Review status: criteria provided, single submitter. Criteria: LabCorp Variant Classification Summary - May 2015. Collection method: clinical testing. Allele origin: germline.

Labcorp Genetics (formerly Invitae), Labcorp
Classification: Likely benign for Arrhythmogenic cardiomyopathy with wooly hair and keratoderma; Arrhythmogenic right ventricular dysplasia 8. Last evaluated: 2026-01-13. Review status: criteria provided, single submitter. Criteria: Invitae Variant Classification Sherloc (09022015). Collection method: clinical testing. Allele origin: germline.

Blueprint Genetics
Classification: Likely benign. Last evaluated: 2024-03-26. Review status: criteria provided, single submitter. Criteria: ACMG Guidelines, 2015. Collection method: clinical testing. Allele origin: germline.

All of Us Research Program, National Institutes of Health
Classification: Likely benign for Arrhythmogenic cardiomyopathy with wooly hair and keratoderma. Last evaluated: 2024-02-05. Review status: criteria provided, single submitter. Criteria: ACMG Guidelines, 2015. Collection method: clinical testing. Allele origin: germline. Inheritance: Autosomal dominant inheritance. Observed: 18 variant alleles, 18 heterozygotes.
Comment: This study involves interpretation of variants in research participants for the purpose of population health screening. Participant phenotype was not available at the time of variant classification. Additional details can be found in publication PMID: 35346344, PMCID: PMC8962531

GeneDx
Classification: Likely benign. Last evaluated: 2019-02-07. Review status: criteria provided, single submitter. Criteria: GeneDx Variant Classification Process June 2021. Collection method: clinical testing. Allele origin: germline. Affected: yes.

Color Diagnostics, LLC DBA Color Health
Classification: Likely benign for Cardiomyopathy. Last evaluated: 2018-10-15. Review status: criteria provided, single submitter. Criteria: ACMG Guidelines, 2015. Collection method: clinical testing. Allele origin: germline.

Ambry Genetics
Classification: Likely benign for Cardiovascular phenotype. Last evaluated: 2016-04-19. Review status: criteria provided, single submitter. Criteria: Ambry Variant Classification Scheme 2023. Collection method: clinical testing. Allele origin: germline.

NM_004415.4(DSP):c.1005A>G (p.Gln335=)

Gene: DSP (desmoplakin; plus strand). Cytogenetic location: 6p24.3.
Variant type: single nucleotide variant.
Coding change: c.1005A>G on transcript NM_004415.4 (MANE Select); coding-DNA position 1005, A replaced by G.
Protein change: p.Gln335=; no amino-acid change (glutamine 335 retained).
Molecular consequence: synonymous variant.
Genome position (GRCh38, 1-based): chr6:7,566,442, A>G. VCF-style: chr6-7566442-A-G. GRCh37 (hg19) VCF-style: chr6-7566675-A-G.
Other names: c.1005A>G (LRG_423t1); c.1005A>G, p.Gln335= (NM_001008844.3, NM_001319034.2).
Identifiers: ClinVar variation 465877 (VCV000465877.24), dbSNP rs200961741, ClinGen allele CA026652.